The following is an entry in ClinVar:

NM_000632.4(ITGAM):c.1249C>T (p.Gln417Ter)

Gene: ITGAM (integrin subunit alpha M; plus strand). Cytogenetic location: 16p11.2.
Variant type: single nucleotide variant.
Coding change: c.1249C>T on transcript NM_000632.4 (MANE Select); coding-DNA position 1249, C replaced by T.
Protein change: p.Gln417Ter; replaces glutamine 417 with a stop codon.
Molecular consequence: nonsense.
Genome position (GRCh38, 1-based): chr16:31,278,002, C>T. VCF-style: chr16-31278002-C-T. GRCh37 (hg19) VCF-style: chr16-31289323-C-T.
Other names: c.1249C>T, p.Gln417Ter (NM_001145808.2); short protein forms Q417*.
Identifiers: ClinVar variation 1979207 (VCV001979207.1), dbSNP rs780651205, ClinGen allele CA395701910.

ClinVar aggregate classification (germline): Uncertain significance (1 of 4 stars; one submission).

Allele frequency attached by ClinVar (database versions not stated): TOPMed below 0.00001; gnomAD exomes 0.00001.

Submission:

Labcorp Genetics (formerly Invitae), Labcorp
Classification: Uncertain significance. Last evaluated: 2020-12-29. Review status: criteria provided, single submitter. Criteria: Invitae Variant Classification Sherloc (09022015). Collection method: clinical testing. Allele origin: germline.
Comment: This sequence change creates a premature translational stop signal (p.Gln417*) in the ITGAM gene. It is expected to result in an absent or disrupted protein product. However, the current clinical and genetic evidence is not sufficient to establish whether loss-of-function variants in ITGAM cause disease. This variant is not present in population databases (ExAC no frequency). This variant has not been reported in the literature in individuals with ITGAM-related conditions. In summary, the available evidence is currently insufficient to determine the role of this variant in disease. Therefore, it has been classified as a Variant of Uncertain Significance.